The following is an entry in ClinVar:

NM_005816.5(CD96):c.1036C>T (p.Pro346Ser)

Gene: CD96 (CD96 molecule; plus strand). Cytogenetic location: 3q13.2.
Variant type: single nucleotide variant.
Coding change: c.1036C>T on transcript NM_005816.5 (MANE Select); coding-DNA position 1036, C replaced by T.
Protein change: p.Pro346Ser; replaces proline 346 with serine.
Molecular consequence: missense variant. On other transcripts: non-coding transcript variant (1).
Genome position (GRCh38, 1-based): chr3:111,600,863, C>T. VCF-style: chr3-111600863-C-T. GRCh37 (hg19) VCF-style: chr3-111319710-C-T.
Other names: c.1036C>T, p.Pro346Ser (NM_001318889.2, NM_001410800.1); c.1084C>T, p.Pro362Ser (NM_198196.3); short protein forms P346S, P362S.
Identifiers: ClinVar variation 2350252 (VCV002350252.6), dbSNP rs200729689, ClinGen allele CA2534604.

ClinVar aggregate classification (germline): Uncertain significance. Review status: criteria provided, multiple submitters, no conflicts (2 of 4 stars). 2 submissions from 2 submitters: Uncertain significance (2). Last evaluated 2025-10-09.

Allele frequency attached by ClinVar (database versions not stated): gnomAD 0.00014; 1000 Genomes Project 0.00020; TOPMed 0.00014; ESP Exome Variant Server 0.00015; 1000 Genomes Project 30x 0.00016; ExAC 0.00019.
gnomAD v4.1: 457 of 1,613,122 alleles (0.028%); highest among the groups gnomAD compares: Middle Eastern, 0.17%; 3 homozygotes.

Submissions (2):

Labcorp Genetics (formerly Invitae), Labcorp
Classification: Uncertain significance. Last evaluated: 2025-10-09. Review status: criteria provided, single submitter. Criteria: Invitae Variant Classification Sherloc (09022015). Collection method: clinical testing. Allele origin: germline.
Comment: This sequence change replaces proline, which is neutral and non-polar, with serine, which is neutral and polar, at codon 362 of the CD96 protein (p.Pro362Ser). This variant is present in population databases (rs200729689, gnomAD 0.1%), and has an allele count higher than expected for a pathogenic variant. This variant has not been reported in the literature in individuals affected with CD96-related conditions. ClinVar contains an entry for this variant (Variation ID: 2350252). Invitae Evidence Modeling of protein sequence and biophysical properties (such as structural, functional, and spatial information, amino acid conservation, physicochemical variation, residue mobility, and thermodynamic stability) indicates that this missense variant is expected to disrupt CD96 protein function with a positive predictive value of 80%. In summary, the available evidence is currently insufficient to determine the role of this variant in disease. Therefore, it has been classified as a Variant of Uncertain Significance.

Ambry Genetics
Classification: Uncertain significance. Last evaluated: 2024-09-08. Review status: criteria provided, single submitter. Criteria: Ambry Variant Classification Scheme 2023. Collection method: clinical testing. Allele origin: germline.